The following is an entry in ClinVar:

ClinVar aggregate classification (germline): Uncertain significance (1 of 4 stars; one submission).

gnomAD v4.1: 13 of 1,613,990 alleles (0.00081%); highest among the groups gnomAD compares: Non-Finnish European, 0.0011%; no homozygotes.

Submission:

Labcorp Genetics (formerly Invitae), Labcorp
Classification: Uncertain significance. Last evaluated: 2025-01-13. Review status: criteria provided, single submitter. Criteria: Invitae Variant Classification Sherloc (09022015). Collection method: clinical testing. Allele origin: germline.
Comment: This sequence change affects codon 282 of the AP3D1 mRNA. It is a 'silent' change, meaning that it does not change the encoded amino acid sequence of the AP3D1 protein. This variant is present in population databases (no rsID available, gnomAD 0.0009%). This variant has not been reported in the literature in individuals affected with AP3D1-related conditions. Algorithms developed to predict the effect of sequence changes on RNA splicing suggest that this variant may disrupt the consensus splice site. In summary, the available evidence is currently insufficient to determine the role of this variant in disease. Therefore, it has been classified as a Variant of Uncertain Significance.

NM_001261826.3(AP3D1):c.846C>T (p.Thr282=)

Gene: AP3D1 (adaptor related protein complex 3 subunit delta 1; minus strand). Cytogenetic location: 19p13.3.
Variant type: single nucleotide variant.
Coding change: c.846C>T on transcript NM_001261826.3 (MANE Select); coding-DNA position 846, C replaced by T.
Protein change: p.Thr282=; no amino-acid change (threonine 282 retained).
Molecular consequence: synonymous variant.
Genome position (GRCh38, 1-based): chr19:2,127,162, G>A on the plus strand (C>T on the coding strand, the complement: AP3D1 is on the minus strand). VCF-style: chr19-2127162-G-A. GRCh37 (hg19) VCF-style: chr19-2127161-G-A.
Other names: c.846C>T, p.Thr282= (NM_001374799.1, NM_003938.8).
Identifiers: ClinVar variation 3719240 (VCV003719240.2).
Genomic context (GRCh38, chr19:2,127,162, plus strand): 5'-CCAGCCTGGCAGTGCCAGCCCTTCCAGATGGGGAGAGTGCCAGTTCTCACCTGCAATCAC[G>A]GTGTTCACACATTCATAGAGGAGAGACATGGCAGACGTGCTAAGGAAAGGAACACAGGGA-3'
Protein context (NP_001248755.1, residues 272-292): AMSLLYECVN[Thr282=]VIAVLISLSS